The following is an entry in ClinVar:

ClinVar aggregate classification (germline): Uncertain significance. Review status: criteria provided, multiple submitters, no conflicts (2 of 4 stars). 2 submissions from 2 submitters: Uncertain significance (2). Last evaluated 2024-12-05.

Allele frequency attached by ClinVar (database versions not stated): gnomAD 0.00002; gnomAD exomes 0.00002 and 0.00006; TOPMed 0.00002.
gnomAD v4.1: 101 of 1,612,530 alleles (0.0063%); highest among the groups gnomAD compares: Non-Finnish European, 0.0077%; no homozygotes.

Submissions (2):

Ambry Genetics
Classification: Uncertain significance. Last evaluated: 2024-12-05. Review status: criteria provided, single submitter. Criteria: Ambry Variant Classification Scheme 2023. Collection method: clinical testing. Allele origin: germline.

Women's Health and Genetics/Laboratory Corporation of America, LabCorp
Classification: Uncertain significance. Last evaluated: 2020-12-11. Review status: criteria provided, single submitter. Criteria: LabCorp Variant Classification Summary - May 2015. Collection method: clinical testing. Allele origin: germline.
Comment: Variant summary: TLL1 c.3017C>T (p.Pro1006Leu) results in a non-conservative amino acid change in the encoded protein sequence. Three of five in-silico tools predict a benign effect of the variant on protein function. The variant allele was found at a frequency of 1.6e-05 in 249902 control chromosomes (gnomAD). The available data on variant occurrences in the general population are insufficient to allow any conclusion about variant significance. To our knowledge, no occurrence of c.3017C>T in individuals affected with Atrial Septal Defect 6 and no experimental evidence demonstrating its impact on protein function have been reported. No clinical diagnostic laboratories have submitted clinical-significance assessments for this variant to ClinVar after 2014. Based on the evidence outlined above, the variant was classified as uncertain significance.

NM_012464.5(TLL1):c.3017C>T (p.Pro1006Leu)

Gene: TLL1 (tolloid like 1; plus strand). Cytogenetic location: 4q32.3.
Variant type: single nucleotide variant.
Coding change: c.3017C>T on transcript NM_012464.5 (MANE Select); coding-DNA position 3017, C replaced by T.
Protein change: p.Pro1006Leu; replaces proline 1006 with leucine.
Molecular consequence: missense variant.
Genome position (GRCh38, 1-based): chr4:166,100,851, C>T. VCF-style: chr4-166100851-C-T. GRCh37 (hg19) VCF-style: chr4-167022003-C-T.
Other names: short protein forms P1006L.
Identifiers: ClinVar variation 992211 (VCV000992211.2), dbSNP rs996415364, ClinGen allele CA109782033.